The following is an entry in ClinVar:

NM_000161.3(GCH1):c.508A>G (p.Arg170Gly)

Gene: GCH1 (GTP cyclohydrolase 1; minus strand). Cytogenetic location: 14q22.2.
Variant type: single nucleotide variant.
Coding change: c.508A>G on transcript NM_000161.3 (MANE Select); coding-DNA position 508, A replaced by G.
Protein change: p.Arg170Gly; replaces arginine 170 with glycine.
Molecular consequence: missense variant.
Genome position (GRCh38, 1-based): chr14:54,859,682, T>C on the plus strand (A>G on the coding strand, the complement: GCH1 is on the minus strand). VCF-style: chr14-54859682-T-C. GRCh37 (hg19) VCF-style: chr14-55326400-T-C.
Other names: c.508A>G, p.Arg170Gly (NM_001024024.2, NM_001024070.2, NM_001024071.2); short protein forms R170G.
Identifiers: ClinVar variation 1376166 (VCV001376166.6), dbSNP rs2039865673, ClinGen allele CA389788275.

ClinVar aggregate classification (germline): Uncertain significance (1 of 4 stars; one submission).

Conditions:
GTP cyclohydrolase I deficiency. Identifiers: MedGen C0268467, MONDO:0100184.
Dystonia 5 (DRD). Also called: Dystonia, DOPA-responsive, with or without hyperphenylalaninemia; GTP Cyclohydrolase 1-Deficient Dopa-Responsive Dystonia; DYSTONIA, PROGRESSIVE, WITH DIURNAL VARIATION; DYSTONIA-PARKINSONISM WITH DIURNAL FLUCTUATION; DYT-GCH1. Identifiers: Orphanet 98808, MedGen C1851920, MONDO:0007495, OMIM 128230.

Allele frequency attached by ClinVar (database versions not stated): gnomAD exomes below 0.00001.
gnomAD v4.1: 3 of 1,574,122 alleles (0.00019%); highest among the groups gnomAD compares: Non-Finnish European, 0.00026%; no homozygotes.

Submission:

Labcorp Genetics (formerly Invitae), Labcorp
Classification: Uncertain significance for GTP cyclohydrolase I deficiency; Dystonia 5. Last evaluated: 2025-08-04. Review status: criteria provided, single submitter. Criteria: Invitae Variant Classification Sherloc (09022015). Collection method: clinical testing. Allele origin: germline.
Comment: This sequence change replaces arginine, which is basic and polar, with glycine, which is neutral and non-polar, at codon 170 of the GCH1 protein (p.Arg170Gly). This variant is not present in population databases (gnomAD no frequency). This variant has not been reported in the literature in individuals affected with GCH1-related conditions. ClinVar contains an entry for this variant (Variation ID: 1376166). An algorithm developed to predict the effect of missense changes on protein structure and function (PolyPhen-2) suggests that this variant is likely to be disruptive. In summary, the available evidence is currently insufficient to determine the role of this variant in disease. Therefore, it has been classified as a Variant of Uncertain Significance.